The following is an entry in ClinVar:

NM_001379500.1(COL18A1):c.3463C>T (p.Pro1155Ser)

Genes: COL18A1 (collagen type XVIII alpha 1 chain; plus strand), SLC19A1 (solute carrier family 19 member 1; minus strand). Cytogenetic location: 21q22.3.
Variant type: single nucleotide variant.
Coding change: c.3463C>T on transcript NM_001379500.1 (MANE Select); coding-DNA position 3463, C replaced by T.
Protein change: p.Pro1155Ser; replaces proline 1155 with serine.
Molecular consequence: missense variant.
Genome position (GRCh38, 1-based): chr21:45,509,569, C>T. VCF-style: chr21-45509569-C-T. GRCh37 (hg19) VCF-style: chr21-46929483-C-T.
Other names: c.3994C>T, p.Pro1332Ser (NM_030582.4); c.4699C>T, p.Pro1567Ser (NM_130444.3); short protein forms P1155S, P1567S, P1332S.
Identifiers: ClinVar variation 1922742 (VCV001922742.3), dbSNP rs944484754, ClinGen allele CA321923508.

ClinVar aggregate classification (germline): Uncertain significance (1 of 4 stars; one submission).

Allele frequency attached by ClinVar (database versions not stated): TOPMed 0.00005.
gnomAD v4.1: 14 of 1,530,046 alleles (0.00092%); highest among the groups gnomAD compares: African/African-American, 0.016%; no homozygotes.

Submission:

Labcorp Genetics (formerly Invitae), Labcorp
Classification: Uncertain significance. Last evaluated: 2023-07-21. Review status: criteria provided, single submitter. Criteria: Invitae Variant Classification Sherloc (09022015). Collection method: clinical testing. Allele origin: germline.
Comment: In summary, the available evidence is currently insufficient to determine the role of this variant in disease. Therefore, it has been classified as a Variant of Uncertain Significance. Experimental studies and prediction algorithms are not available or were not evaluated, and the functional significance of this variant is currently unknown. ClinVar contains an entry for this variant (Variation ID: 1922742). This variant has not been reported in the literature in individuals affected with COL18A1-related conditions. The frequency data for this variant in the population databases is considered unreliable, as metrics indicate poor data quality at this position in the gnomAD database. This sequence change replaces proline, which is neutral and non-polar, with serine, which is neutral and polar, at codon 1152 of the COL18A1 protein (p.Pro1152Ser).